The following is an entry in ClinVar:

ClinVar aggregate classification (germline): Conflicting classifications of pathogenicity. Review status: criteria provided, conflicting classifications (1 of 4 stars). 3 submissions from 3 submitters: Uncertain significance (2); Likely benign (1). Last evaluated 2022-10-14.

Conditions:
Autosomal recessive inherited pseudoxanthoma elasticum (PXE). Identifiers: Orphanet 758, MedGen CN032334, MONDO:0009925, OMIM 264800.
Pseudoxanthoma elasticum, forme fruste. Also called: Pseudoxanthoma Elasticum, Incomplete; PSEUDOXANTHOMA ELASTICUM, HETEROZYGOUS. Identifiers: Orphanet 758, MedGen C1867450, MONDO:0008333, OMIM 177850.
Arterial calcification, generalized, of infancy, 2. Identifiers: Orphanet 51608, MedGen C3276161, MONDO:0013768, OMIM 614473.

Allele frequency attached by ClinVar (database versions not stated): ExAC 0.00002; gnomAD exomes 0.00002; gnomAD 0.00007 and 0.00009; ESP Exome Variant Server 0.00015; TOPMed 0.00007.
gnomAD v4.1: 41 of 1,614,142 alleles (0.0025%); highest among the groups gnomAD compares: African/African-American, 0.021%; no homozygotes.

Submissions (3):

Blueprint Genetics
Classification: Likely benign. Last evaluated: 2022-10-14. Review status: criteria provided, single submitter. Criteria: ACMG Guidelines, 2015. Collection method: clinical testing. Allele origin: germline.

Labcorp Genetics (formerly Invitae), Labcorp
Classification: Uncertain significance. Last evaluated: 2022-07-05. Review status: criteria provided, single submitter. Criteria: Invitae Variant Classification Sherloc (09022015). Collection method: clinical testing. Allele origin: germline.
Comment: This sequence change replaces valine, which is neutral and non-polar, with isoleucine, which is neutral and non-polar, at codon 442 of the ABCC6 protein (p.Val442Ile). This variant is present in population databases (rs372059636, gnomAD 0.02%). This variant has not been reported in the literature in individuals affected with ABCC6-related conditions. ClinVar contains an entry for this variant (Variation ID: 1488881). Advanced modeling of protein sequence and biophysical properties (such as structural, functional, and spatial information, amino acid conservation, physicochemical variation, residue mobility, and thermodynamic stability) performed at Invitae indicates that this missense variant is not expected to disrupt ABCC6 protein function. In summary, the available evidence is currently insufficient to determine the role of this variant in disease. Therefore, it has been classified as a Variant of Uncertain Significance.

Fulgent Genetics
Classification: Uncertain significance for Pseudoxanthoma elasticum, forme fruste; Autosomal recessive inherited pseudoxanthoma elasticum; Arterial calcification, generalized, of infancy, 2. Last evaluated: 2021-11-01. Review status: criteria provided, single submitter. Criteria: ACMG Guidelines, 2015. Collection method: clinical testing. Allele origin: unknown.

NM_001171.6(ABCC6):c.1324G>A (p.Val442Ile)

Gene: ABCC6 (ATP binding cassette subfamily C member 6; minus strand). Cytogenetic location: 16p13.11.
Variant type: single nucleotide variant.
Coding change: c.1324G>A on transcript NM_001171.6 (MANE Select); coding-DNA position 1324, G replaced by A.
Protein change: p.Val442Ile; replaces valine 442 with isoleucine.
Molecular consequence: missense variant. On other transcripts: non-coding transcript variant (1).
Genome position (GRCh38, 1-based): chr16:16,198,035, C>T on the plus strand (G>A on the coding strand, the complement: ABCC6 is on the minus strand). VCF-style: chr16-16198035-C-T. GRCh37 (hg19) VCF-style: chr16-16291892-C-T.
Other names: c.982G>A, p.Val328Ile (NM_001351800.1); short protein forms V328I, V442I.
Identifiers: ClinVar variation 1488881 (VCV001488881.5), dbSNP rs372059636, ClinGen allele CA7926365.